The following is an entry in ClinVar:

NM_001165963.4(SCN1A):c.563A>T (p.Asp188Val)

Gene: SCN1A (sodium voltage-gated channel alpha subunit 1; minus strand). Cytogenetic location: 2q24.3.
Variant type: single nucleotide variant.
Coding change: c.563A>T on transcript NM_001165963.4 (MANE Select); coding-DNA position 563, A replaced by T.
Protein change: p.Asp188Val; replaces aspartic acid 188 with valine.
Molecular consequence: missense variant. On other transcripts: 5 prime UTR variant (1), non-coding transcript variant (1).
Genome position (GRCh38, 1-based): chr2:166,054,677, T>A on the plus strand (A>T on the coding strand, the complement: SCN1A is on the minus strand). VCF-style: chr2-166054677-T-A. GRCh37 (hg19) VCF-style: chr2-166911187-T-A.
Other names: c.563A>T, p.Asp188Val (NM_001165964.3, NM_001202435.3, NM_001353948.2 and 10 more transcripts); c.-1863A>T (NM_001353961.2); short protein forms D188V.
Identifiers: ClinVar variation 12884 (VCV000012884.8), dbSNP rs121917953, ClinGen allele CA256590.

ClinVar aggregate classification (germline): Likely pathogenic. Review status: criteria provided, single submitter (1 of 4 stars). 3 submissions from 3 submitters: Likely pathogenic (1). 2 of the submissions do not count toward it. Last evaluated 2020-03-21.

Conditions:
Early-infantile DEE. Also called: Early infantile epileptic encephalopathy with suppression bursts; Early infantile epileptic encephalopathy; Ohtahara syndrome. Identifiers: Orphanet 1934, MedGen C0393706, MONDO:0800491.
Generalized epilepsy with febrile seizures plus, type 2 (GEFSP2). Also called: GEFS+, TYPE 2. Identifiers: Orphanet 36387, MedGen C1858673, MONDO:0011461, OMIM 604403.
Generalized epilepsy with febrile seizures plus, type 1 (GEFSP1). Also called: GEFS+, TYPE 1. Identifiers: Orphanet 36387, MedGen C1858672, MONDO:0011416, OMIM 604233.

Submissions (3):

Labcorp Genetics (formerly Invitae), Labcorp
Classification: Likely pathogenic for Early-infantile DEE. Last evaluated: 2020-03-21. Review status: criteria provided, single submitter. Criteria: Invitae Variant Classification Sherloc (09022015). Collection method: clinical testing. Allele origin: germline.
Comment: This sequence change replaces aspartic acid with valine at codon 188 of the SCN1A protein (p.Asp188Val). The aspartic acid residue is highly conserved and there is a large physicochemical difference between aspartic acid and valine. This variant is not present in population databases (ExAC no frequency). This variant has been reported in the literature in individuals with generalized epilepsy with febrile seizures plus (GEFS) and Dravet syndrome (PMID: 11254444, 12576172, 22780858). It has been shown to co-segregate with GEFS in an affected families, but the segregation was considered incomplete because two unaffected individuals carry this variant (PMID: 11254444). ClinVar contains an entry for this variant (Variation ID: 12884). This variant identified in the SCN1A gene is located in the cytoplasmic D1-S2/S3 region of the resulting protein (PMID: 25348405, 18804930). Experimental studies have shown that this missense change decreased entry into and increased rate of recovery from slow inactivated state, and disrupted normal sodium channel function (PMID: 12576172, 16075041, 20550552). In summary, the currently available evidence indicates that the variant is pathogenic, but additional data are needed to prove that conclusively. Therefore, this variant has been classified as Likely Pathogenic.

OMIM
Classification: Pathogenic for GENERALIZED EPILEPSY WITH FEBRILE SEIZURES PLUS, TYPE 2. Last evaluated: 2001-04-01. Review status: no assertion criteria provided. Collection method: literature only. Allele origin: germline. Not counted in ClinVar's aggregate classification.

UniProtKB/Swiss-Prot
No classification provided. Condition: Generalized epilepsy with febrile seizures plus, type 1. Review status: no classification provided. Collection method: not provided. Allele origin: unknown. Not counted in ClinVar's aggregate classification.

Literature cited by the submitters: PubMed 11254444 (cited by Labcorp Genetics (formerly Invitae), Labcorp and OMIM); PubMed 12576172 (cited by Labcorp Genetics (formerly Invitae), Labcorp); PubMed 22780858 (cited by Labcorp Genetics (formerly Invitae), Labcorp); PubMed 25348405 (cited by Labcorp Genetics (formerly Invitae), Labcorp); PubMed 18804930 (cited by Labcorp Genetics (formerly Invitae), Labcorp); PubMed 16075041 (cited by Labcorp Genetics (formerly Invitae), Labcorp); PubMed 20550552 (cited by Labcorp Genetics (formerly Invitae), Labcorp); PubMed 9126059 (cited by OMIM).